The following is an entry in ClinVar:

NM_007294.4(BRCA1):c.4656del (p.Leu1553fs)

Gene: BRCA1 (BRCA1 DNA repair associated; minus strand). Cytogenetic location: 17q21.31.
Variant type: Deletion.
Coding change: c.4656del on transcript NM_007294.4 (MANE Select); coding-DNA position 4656, one base deleted (C; older notation c.4656delC).
Protein change: p.Leu1553fs; shifts the reading frame from leucine 1553.
Molecular consequence: frameshift variant. On other transcripts: non-coding transcript variant (1).
Genome position (GRCh38, 1-based): chr17:43,074,350, G deleted on the plus strand (C on the coding strand, the reverse complement: BRCA1 is on the minus strand). VCF-style (leftmost placement, unchanged base first): chr17-43074349-AG-A. GRCh37 (hg19) VCF-style: chr17-41226366-AG-A.
Other names: c.4320delC, p.Leu1441Cysfs (NM_001407955.1, NM_001407950.1, NM_001407951.1 and 3 more transcripts); c.4317delC, p.Leu1440Cysfs (NM_001407956.1, NM_001407957.1, NM_001407958.1); c.4272delC, p.Leu1425Cysfs (NM_001407960.1, NM_001407962.1); c.3768delC, p.Leu1257Cysfs (NM_001407966.1); c.3765delC, p.Leu1256Cysfs (NM_001407967.1); c.4275delC, p.Leu1426Cysfs (NM_001407959.1); c.4269delC, p.Leu1424Cysfs (NM_001407963.1); c.4149delC, p.Leu1384Cysfs (NM_001407965.1); and 71 more; short protein forms L1506fs, L1574fs, L1553fs, L449fs.
Identifiers: ClinVar variation 918371 (VCV000918371.4), dbSNP rs2052589590, ClinGen allele CA913188843.

ClinVar aggregate classification (germline): Pathogenic (1 of 4 stars; one submission).

Conditions:
Hereditary cancer-predisposing syndrome. Also called: Neoplastic Syndromes, Hereditary; Tumor predisposition; Hereditary Cancer Syndrome; Hereditary neoplastic syndrome. Identifiers: Orphanet 140162, MedGen C0027672, MeSH D009386, MONDO:0015356.

Submission:

Color Diagnostics, LLC DBA Color Health
Classification: Pathogenic for Hereditary cancer-predisposing syndrome. Last evaluated: 2020-01-15. Review status: criteria provided, single submitter. Criteria: ACMG Guidelines, 2015. Collection method: clinical testing. Allele origin: germline.
Comment: This variant deletes 1 nucleotide in exon 14 of the BRCA1 gene, creating a frameshift and premature translation stop signal. This variant is expected to result in an absent or non-functional protein product. This variant has not been identified in the general population by the Genome Aggregation Database (gnomAD). Loss of BRCA1 function is a known mechanism of disease. Based on the available evidence, this variant is classified as Pathogenic.